The following is an entry in ClinVar:

ClinVar aggregate classification (germline): Uncertain significance (1 of 4 stars; one submission).

Allele frequency attached by ClinVar (database versions not stated): gnomAD 0.00001; gnomAD exomes 0.00001; TOPMed 0.00001.
gnomAD v4.1: 19 of 1,609,966 alleles (0.0012%); highest among the groups gnomAD compares: Non-Finnish European, 0.0015%; no homozygotes.

Submission:

Labcorp Genetics (formerly Invitae), Labcorp
Classification: Uncertain significance. Last evaluated: 2024-11-05. Review status: criteria provided, single submitter. Criteria: Invitae Variant Classification Sherloc (09022015). Collection method: clinical testing. Allele origin: germline.
Comment: This sequence change replaces threonine, which is neutral and polar, with isoleucine, which is neutral and non-polar, at codon 3064 of the FAT2 protein (p.Thr3064Ile). This variant is present in population databases (no rsID available, gnomAD 0.0009%). This variant has not been reported in the literature in individuals affected with FAT2-related conditions. ClinVar contains an entry for this variant (Variation ID: 2114350). An algorithm developed to predict the effect of missense changes on protein structure and function (PolyPhen-2) suggests that this variant is likely to be disruptive. Algorithms developed to predict the effect of sequence changes on RNA splicing suggest that this variant may disrupt the consensus splice site. In summary, the available evidence is currently insufficient to determine the role of this variant in disease. Therefore, it has been classified as a Variant of Uncertain Significance.

NM_001447.3(FAT2):c.9191C>T (p.Thr3064Ile)

Genes: FAT2 (FAT atypical cadherin 2; minus strand), SLC36A1 (solute carrier family 36 member 1; plus strand). Cytogenetic location: 5q33.1.
Variant type: single nucleotide variant.
Coding change: c.9191C>T on transcript NM_001447.3 (MANE Select); coding-DNA position 9191, C replaced by T.
Protein change: p.Thr3064Ile; replaces threonine 3064 with isoleucine.
Molecular consequence: missense variant.
Genome position (GRCh38, 1-based): chr5:151,537,795, G>A on the plus strand (C>T on the coding strand, the complement: FAT2 is on the minus strand). VCF-style: chr5-151537795-G-A. GRCh37 (hg19) VCF-style: chr5-150917356-G-A.
Other names: short protein forms T3064I.
Identifiers: ClinVar variation 2114350 (VCV002114350.4), dbSNP rs1443322971, ClinGen allele CA361829093.
Genomic context (GRCh38, chr5:151,537,795, plus strand): 5'-GGCACTTGGTATTCAGTAAAGAAGTTCTTGTTTTGATCCTGCAGCTCAGGAAACCCACCT[G>A]TATGAGGATCCAGCTTGAATTCATGCGCCCCAGGGCCATGCAGAGAATATGTGATCTGAG-3'
Protein context (NP_001438.1, residues 3054-3074): GAHEFKLDPH[Thr3064Ile]GELTTLTALD